The following is an entry in ClinVar:

NM_002087.4(GRN):c.1450G>T (p.Ala484Ser)

Gene: GRN (granulin precursor; plus strand). Cytogenetic location: 17q21.31.
Variant type: single nucleotide variant.
Coding change: c.1450G>T on transcript NM_002087.4 (MANE Select); coding-DNA position 1450, G replaced by T.
Protein change: p.Ala484Ser; replaces alanine 484 with serine.
Molecular consequence: missense variant.
Genome position (GRCh38, 1-based): chr17:44,352,377, G>T. VCF-style: chr17-44352377-G-T. GRCh37 (hg19) VCF-style: chr17-42429745-G-T.
Other names: short protein forms A484S.
Identifiers: ClinVar variation 1772950 (VCV001772950.2), dbSNP rs1246786576, ClinGen allele CA399769804.
Genomic context (GRCh38, chr17:44,352,377, plus strand): 5'-ATTCTGTGCTCCCTTCCCCGCCAGGCTGTGTGCTGCGAGGATCGCCAGCACTGCTGCCCG[G>T]CTGGCTACACCTGCAACGTGAAGGCTCGATCCTGCGAGAAGGAAGTGGTCTCTGCCCAGC-3'
Protein context (NP_002078.1, residues 474-494): CCEDRQHCCP[Ala484Ser]GYTCNVKARS

ClinVar aggregate classification (germline): Uncertain significance (1 of 4 stars; one submission).

Conditions:
Inborn genetic diseases. Identifiers: MedGen C0950123, MeSH D030342.

Submission:

Ambry Genetics
Classification: Uncertain significance for Inborn genetic diseases. Last evaluated: 2020-04-10. Review status: criteria provided, single submitter. Criteria: Ambry Variant Classification Scheme 2023. Collection method: clinical testing. Allele origin: germline.
Comment: The p.A484S variant (also known as c.1450G>T), located in coding exon 11 of the GRN gene, results from a G to T substitution at nucleotide position 1450. The alanine at codon 484 is replaced by serine, an amino acid with similar properties. This amino acid position is poorly conserved in available vertebrate species. In addition, this alteration is predicted to be tolerated by in silico analysis. Since supporting evidence is limited at this time, the clinical significance of this alteration remains unclear.